The following is an entry in ClinVar:

NM_001367624.2(ZNF469):c.11016G>T (p.Lys3672Asn)

Gene: ZNF469 (zinc finger protein 469; plus strand). Cytogenetic location: 16q24.2.
Variant type: single nucleotide variant.
Coding change: c.11016G>T on transcript NM_001367624.2 (MANE Select); coding-DNA position 11016, G replaced by T.
Protein change: p.Lys3672Asn; replaces lysine 3672 with asparagine.
Molecular consequence: missense variant.
Genome position (GRCh38, 1-based): chr16:88,438,486, G>T. VCF-style: chr16-88438486-G-T. GRCh37 (hg19) VCF-style: chr16-88504894-G-T.
Other names: short protein forms K3672N.
Identifiers: ClinVar variation 1675156 (VCV001675156.2), dbSNP rs967698954, ClinGen allele CA286387497.

ClinVar aggregate classification (germline): Uncertain significance (1 of 4 stars; one submission).

Conditions:
Brittle cornea syndrome 1 (BCS1). Also called: CORNEAL FRAGILITY, KERATOGLOBUS, BLUE SCLERAE, JOINT HYPEREXTENSIBILITY; EDS6B; FRAGILITAS OCULI WITH JOINT HYPEREXTENSIBILITY; Corneal fragility keratoglobus, blue sclerae AND joint hypermobility; DYSGENESIS MESODERMALIS CORNEAE ET SCLERAE. Identifiers: Orphanet 90354, MedGen C0268344, MONDO:0024543, OMIM 229200.

gnomAD v4.1: 61 of 1,550,008 alleles (0.0039%); highest among the groups gnomAD compares: East Asian, 0.14%; no homozygotes.

Submission:

Center for Genomics, Ann and Robert H. Lurie Children's Hospital of Chicago
Classification: Uncertain significance for Brittle cornea syndrome 1. Last evaluated: 2022-02-04. Review status: criteria provided, single submitter. Criteria: ACMG Guidelines, 2015. Collection method: clinical testing. Allele origin: germline.
Comment: This variant has not been reported in the literature but is present in 0.04% (4/10786) of East Asian alleles in the Genome Aggregation Database. Evolutionary conservation and computational predictive tools suggest that this variant may not impact the protein. In summary, data on this variant is insufficient for disease classification. Therefore, the clinical significance of this variant is uncertain.